The following is an entry in ClinVar:

ClinVar aggregate classification (germline): Likely pathogenic (1 of 4 stars; one submission).

Conditions:
Joubert syndrome. Also called: Familial aplasia of the vermis; JOUBERT-BOLTSHAUSER SYNDROME; CEREBELLOPARENCHYMAL DISORDER IV. Identifiers: Orphanet 475, MedGen C5979921, MONDO:0018772.

Submission:

Natera, Inc.
Classification: Likely pathogenic for Joubert syndrome. Last evaluated: 2024-05-28. Review status: criteria provided, single submitter. Criteria: Natera Variant Classification Schema (03/2026). Collection method: clinical testing. Allele origin: germline.
Comment: The c.1229T>A variant in RPGRIP1L is a nonsense variant predicted to introduce a stop codon at amino acid 410. This variant is expected to result in nonsense mediated decay, truncation, or a dysfunctional protein product. This variant is rare in the general population with a frequency below the threshold expected for the associated phenotype(s). Given the available evidence, this variant is classified as Likely Pathogenic.

NM_015272.5(RPGRIP1L):c.1229T>A (p.Leu410Ter)

Gene: RPGRIP1L (RPGRIP1 like; minus strand). Cytogenetic location: 16q12.2.
Variant type: single nucleotide variant.
Coding change: c.1229T>A on transcript NM_015272.5 (MANE Select); coding-DNA position 1229, T replaced by A.
Protein change: p.Leu410Ter; replaces leucine 410 with a stop codon.
Molecular consequence: nonsense.
Genome position (GRCh38, 1-based): chr16:53,664,884, A>T on the plus strand (T>A on the coding strand, the complement: RPGRIP1L is on the minus strand). VCF-style: chr16-53664884-A-T. GRCh37 (hg19) VCF-style: chr16-53698796-A-T.
Other names: c.1229T>A, p.Leu410Ter (NM_001127897.4, NM_001308334.3, NM_001330538.2); short protein forms L410*.
Identifiers: ClinVar variation 4815824 (VCV004815824.1).